The following is an entry in ClinVar:

ClinVar aggregate classification (germline): Uncertain significance (1 of 4 stars; one submission).

Conditions:
Combined oxidative phosphorylation defect type 17. Also called: Combined oxidative phosphorylation deficiency 17. Identifiers: Orphanet 369913, MedGen C3809526, MONDO:0014190, OMIM 615440.

gnomAD v4.1: 5 of 1,611,682 alleles (0.00031%); highest among the groups gnomAD compares: Non-Finnish European, 0.00042%; no homozygotes.

Submission:

Labcorp Genetics (formerly Invitae), Labcorp
Classification: Uncertain significance for Combined oxidative phosphorylation defect type 17. Last evaluated: 2024-09-01. Review status: criteria provided, single submitter. Criteria: Invitae Variant Classification Sherloc (09022015). Collection method: clinical testing. Allele origin: germline.
Comment: This sequence change replaces alanine, which is neutral and non-polar, with valine, which is neutral and non-polar, at codon 65 of the ELAC2 protein (p.Ala65Val). This variant is not present in population databases (gnomAD no frequency). This variant has not been reported in the literature in individuals affected with ELAC2-related conditions. Invitae Evidence Modeling of protein sequence and biophysical properties (such as structural, functional, and spatial information, amino acid conservation, physicochemical variation, residue mobility, and thermodynamic stability) indicates that this missense variant is not expected to disrupt ELAC2 protein function with a negative predictive value of 80%. In summary, the available evidence is currently insufficient to determine the role of this variant in disease. Therefore, it has been classified as a Variant of Uncertain Significance.

NM_018127.7(ELAC2):c.194C>T (p.Ala65Val)

Gene: ELAC2 (elaC ribonuclease Z 2; minus strand). Cytogenetic location: 17p12.
Variant type: single nucleotide variant.
Coding change: c.194C>T on transcript NM_018127.7 (MANE Select); coding-DNA position 194, C replaced by T.
Protein change: p.Ala65Val; replaces alanine 65 with valine.
Molecular consequence: missense variant.
Genome position (GRCh38, 1-based): chr17:13,017,754, G>A on the plus strand (C>T on the coding strand, the complement: ELAC2 is on the minus strand). VCF-style: chr17-13017754-G-A. GRCh37 (hg19) VCF-style: chr17-12921071-G-A.
Other names: c.194C>T, p.Ala65Val (NM_001165962.2, NM_173717.2); short protein forms A65V.
Identifiers: ClinVar variation 3719258 (VCV003719258.2).
Genomic context (GRCh38, chr17:13,017,754, plus strand): 5'-TTGACTGACCGGTTGAACTCGGAGAAGACGTAGAGCGCGGCGCCCGAGTCCCGGCTACCC[G>A]CTGCCACCACCTGCAGGTACACGGTGTTTGGGCCGCCGGAGCACCCCGACGGTCCGCGCT-3'
Protein context (NP_060597.4, residues 55-75): PNTVYLQVVA[Ala65Val]GSRDSGAALY